The following is an entry in ClinVar:

ClinVar aggregate classification (germline): Uncertain significance (1 of 4 stars; one submission).

Conditions:
Tuberous sclerosis 2 (TSC2). Identifiers: Orphanet 805, MedGen C1860707, MONDO:0013199, OMIM 613254.

Submission:

Labcorp Genetics (formerly Invitae), Labcorp
Classification: Uncertain significance for Tuberous sclerosis 2. Last evaluated: 2021-07-30. Review status: criteria provided, single submitter. Criteria: Invitae Variant Classification Sherloc (09022015). Collection method: clinical testing. Allele origin: germline.
Comment: This sequence change replaces isoleucine with threonine at codon 818 of the TSC2 protein (p.Ile818Thr). The isoleucine residue is highly conserved and there is a moderate physicochemical difference between isoleucine and threonine. This variant is not present in population databases (ExAC no frequency). This variant has not been reported in the literature in individuals affected with TSC2-related conditions. Advanced modeling of protein sequence and biophysical properties (such as structural, functional, and spatial information, amino acid conservation, physicochemical variation, residue mobility, and thermodynamic stability) performed at Invitae indicates that this missense variant is not expected to disrupt TSC2 protein function. In summary, the available evidence is currently insufficient to determine the role of this variant in disease. Therefore, it has been classified as a Variant of Uncertain Significance.

NM_000548.5(TSC2):c.2453T>C (p.Ile818Thr)

Gene: TSC2 (TSC complex subunit 2; plus strand). Cytogenetic location: 16p13.3.
Variant type: single nucleotide variant.
Coding change: c.2453T>C on transcript NM_000548.5 (MANE Select); coding-DNA position 2453, T replaced by C.
Protein change: p.Ile818Thr; replaces isoleucine 818 with threonine.
Molecular consequence: missense variant.
Genome position (GRCh38, 1-based): chr16:2,074,297, T>C. VCF-style: chr16-2074297-T-C. GRCh37 (hg19) VCF-style: chr16-2124298-T-C.
Other names: c.1853T>C, p.Ile618Thr (NM_001318831.2); c.2486T>C, p.Ile829Thr (NM_001318832.2); c.2453T>C, p.Ile818Thr (NM_001363528.2, NM_001370404.1, NM_001370405.1 and 3 more transcripts); c.2342T>C, p.Ile781Thr (NM_001318827.2); c.2306T>C, p.Ile769Thr (NM_001318829.2); short protein forms I781T, I618T, I818T, I769T, I829T.
Identifiers: ClinVar variation 1461347 (VCV001461347.6), dbSNP rs2151352015, ClinGen allele CA394277475.